The following is an entry in ClinVar:

ClinVar aggregate classification (germline): Likely pathogenic (1 of 4 stars; one submission).

Conditions:
Arthrogryposis, distal, with impaired proprioception and touch (DAIPT). Identifiers: MedGen C4310692, MONDO:0014941, OMIM 617146.

Submission:

Dasa
Classification: Likely pathogenic for Arthrogryposis, distal, with impaired proprioception and touch. Last evaluated: 2025-04-03. Review status: criteria provided, single submitter. Criteria: DASA Assertion Criteria. Collection method: clinical testing. Allele origin: germline.
Comment: NM_001378183.1(PIEZO2):c.1863_1866del (p.Ser621Argfs*37) is a frameshift variant in PIEZO2 predicted to alter the reading frame and introduce a premature termination codon and is predicted to result in an absent or altered protein product. Loss of function is an established disease mechanism for PIEZO2-associated disorders. Also, this variant is rare in population databases. Based on the currently available evidence, this variant is classified as likely pathogenic.

NM_001378183.1(PIEZO2):c.1863_1866del (p.Ser621fs)

Gene: PIEZO2 (piezo type mechanosensitive ion channel component 2; minus strand). Cytogenetic location: 18p11.22.
Variant type: Deletion.
Coding change: c.1863_1866del on transcript NM_001378183.1 (MANE Select); coding-DNA positions 1863 to 1866, 4 bases deleted (TCAG; older notation c.1863_1866delTCAG).
Protein change: p.Ser621fs; shifts the reading frame from serine 621.
Molecular consequence: frameshift variant.
Genome position (GRCh38, 1-based): chr18:10,791,217-10,791,220, CTGA deleted on the plus strand (TCAG on the coding strand, the reverse complement: PIEZO2 is on the minus strand); deleting any 4 consecutive bases within chr18:10,791,217-10,791,223 gives the same sequence; the c. name uses the placement nearest the transcript's 3' end. VCF-style (leftmost placement, unchanged base first): chr18-10791216-CCTGA-C. GRCh37 (hg19) VCF-style: chr18-10791214-CCTGA-C.
Other names: c.1863_1866del, p.Ser621fs (NM_001410871.1, NM_022068.4); short protein forms S621fs.
Identifiers: ClinVar variation 4880755 (VCV004880755.2).
Genomic context (GRCh38, chr18:10,791,216, plus strand): 5'-TTGCTGAGCACCAAACTCTCCAGCCACACATATACACTAATTTACCTTTTTCTTCATTTT[CCTGA>C]CTGCCAATTTTGACTTCCGATAAAAGAGCTTCCTTTTCTTGCAGAGCTTTTTGCTCTGTG-3'